The following is an entry in ClinVar:

NM_000038.6(APC):c.5180G>C (p.Cys1727Ser)

Gene: APC (APC regulator of Wnt signaling pathway; plus strand). Cytogenetic location: 5q22.2.
Variant type: single nucleotide variant.
Coding change: c.5180G>C on transcript NM_000038.6 (MANE Select); coding-DNA position 5180, G replaced by C.
Protein change: p.Cys1727Ser; replaces cysteine 1727 with serine.
Molecular consequence: missense variant.
Genome position (GRCh38, 1-based): chr5:112,840,774, G>C. VCF-style: chr5-112840774-G-C. GRCh37 (hg19) VCF-style: chr5-112176471-G-C.
Other names: c.5180G>C, p.Cys1727Ser (NM_001127510.3, NM_001354895.2); c.5126G>C, p.Cys1709Ser (NM_001127511.3); c.5234G>C, p.Cys1745Ser (NM_001354896.2); c.5210G>C, p.Cys1737Ser (NM_001354897.2); c.5105G>C, p.Cys1702Ser (NM_001354898.2); c.5096G>C, p.Cys1699Ser (NM_001354899.2); c.5057G>C, p.Cys1686Ser (NM_001354900.2); c.5003G>C, p.Cys1668Ser (NM_001354901.2); and 5 more; short protein forms C1636S, C1686S, C1727S, C1444S, C1601S, C1699S, C1709S, C1626S.
Identifiers: ClinVar variation 825516 (VCV000825516.6), dbSNP rs1580657160, ClinGen allele CA16032653.

ClinVar aggregate classification (germline): Uncertain significance. Review status: criteria provided, multiple submitters, no conflicts (2 of 4 stars). 2 submissions from 2 submitters: Uncertain significance (2). Last evaluated 2024-03-14.

Conditions:
Hereditary cancer-predisposing syndrome. Also called: Neoplastic Syndromes, Hereditary; Tumor predisposition; Hereditary neoplastic syndrome; Hereditary Cancer Syndrome. Identifiers: Orphanet 140162, MedGen C0027672, MeSH D009386, MONDO:0015356.
Familial adenomatous polyposis 1 (FAP1). Also called: POLYPOSIS, ADENOMATOUS INTESTINAL; FAMILIAL ADENOMATOUS POLYPOSIS 1, ATTENUATED. Identifiers: MedGen C2713442, MONDO:0021056, OMIM 175100. Disease mechanism: loss of function.

Submissions (2):

Labcorp Genetics (formerly Invitae), Labcorp
Classification: Uncertain significance for Familial adenomatous polyposis 1. Last evaluated: 2024-03-14. Review status: criteria provided, single submitter. Criteria: Invitae Variant Classification Sherloc (09022015). Collection method: clinical testing. Allele origin: germline.
Comment: This sequence change replaces cysteine, which is neutral and slightly polar, with serine, which is neutral and polar, at codon 1727 of the APC protein (p.Cys1727Ser). This variant is not present in population databases (gnomAD no frequency). This variant has not been reported in the literature in individuals affected with APC-related conditions. ClinVar contains an entry for this variant (Variation ID: 825516). Advanced modeling of protein sequence and biophysical properties (such as structural, functional, and spatial information, amino acid conservation, physicochemical variation, residue mobility, and thermodynamic stability) has been performed at Invitae for this missense variant, however the output from this modeling did not meet the statistical confidence thresholds required to predict the impact of this variant on APC protein function. In summary, the available evidence is currently insufficient to determine the role of this variant in disease. Therefore, it has been classified as a Variant of Uncertain Significance.

Ambry Genetics
Classification: Uncertain significance for Hereditary cancer-predisposing syndrome. Last evaluated: 2019-11-19. Review status: criteria provided, single submitter. Criteria: Ambry Variant Classification Scheme 2023. Collection method: clinical testing. Allele origin: germline.
Comment: The p.C1727S variant (also known as c.5180G>C), located in coding exon 15 of the APC gene, results from a G to C substitution at nucleotide position 5180. The cysteine at codon 1727 is replaced by serine, an amino acid with dissimilar properties. This amino acid position is highly conserved in available vertebrate species. In addition, in silico predictors for this gene do not accurately predict pathogenicity. Since supporting evidence is limited at this time, the clinical significance of this alteration remains unclear.